The following is an entry in ClinVar:

NM_001256447.2(BCAP31):c.-12_-10del

Gene: BCAP31 (B cell receptor associated protein 31; minus strand). Cytogenetic location: Xq28.
Variant type: Deletion.
Coding change: c.-12_-10del on transcript NM_001256447.2 (MANE Select); 12 bases upstream of the start codon through 10 bases upstream of the start codon, 3 bases deleted (TCT; older notation c.-12_-10delTCT).
Molecular consequence: 5 prime UTR variant.
Genome position (GRCh38, 1-based): chrX:153,723,254-153,723,256, AGA deleted on the plus strand (TCT on the coding strand, the reverse complement: BCAP31 is on the minus strand); deleting any 3 consecutive bases within chrX:153,723,254-153,723,258 gives the same sequence; the c. name uses the placement nearest the transcript's 3' end. VCF-style (leftmost placement, unchanged base first): chrX-153723253-TAGA-T. GRCh37 (hg19) VCF-style: chrX-152988708-TAGA-T.
Other names: c.-12_-10del (NM_001139441.1, NM_005745.8); c.190_192del, p.Ser65del (NM_001139457.2); c.190_192delTCT (NM_001139457.2); short protein forms S65del.
Identifiers: ClinVar variation 3049953 (VCV003049953.2), dbSNP rs782016628, ClinGen allele CA10549861.

ClinVar aggregate classification (germline): Likely benign (0 of 4 stars; one submission).

Conditions:
BCAP31-related disorder. Also called: BCAP31-related condition.

Submission:

PreventionGenetics, part of Exact Sciences
Classification: Likely benign for BCAP31-related condition. Last evaluated: 2020-04-09. Review status: no assertion criteria provided. Collection method: clinical testing. Allele origin: germline.
Comment: This variant is classified as likely benign based on ACMG/AMP sequence variant interpretation guidelines (Richards et al. 2015 PMID: 25741868, with internal and published modifications).